The following is an entry in ClinVar:

ClinVar aggregate classification (germline): Uncertain significance. Review status: criteria provided, multiple submitters, no conflicts (2 of 4 stars). 2 submissions from 2 submitters: Uncertain significance (2). Last evaluated 2022-07-14.

Conditions:
Inborn genetic diseases. Identifiers: MedGen C0950123, MeSH D030342.

gnomAD v4.1: 5 of 1,614,038 alleles (0.00031%); highest among the groups gnomAD compares: Middle Eastern, 0.016%; no homozygotes.

Submissions (2):

Ambry Genetics
Classification: Uncertain significance for Inborn genetic diseases. Last evaluated: 2022-07-14. Review status: criteria provided, single submitter. Criteria: Ambry Variant Classification Scheme 2023. Collection method: clinical testing. Allele origin: germline.

GeneDx
Classification: Uncertain significance. Last evaluated: 2021-04-16. Review status: criteria provided, single submitter. Criteria: GeneDx Variant Classification Process June 2021. Collection method: clinical testing. Allele origin: germline. Affected: yes.
Comment: Not observed at a significant frequency in large population cohorts (Lek et al., 2016); In silico analysis supports that this missense variant does not alter protein structure/function; Has not been previously published as pathogenic or benign to our knowledge

NM_017668.3(NDE1):c.110G>A (p.Arg37Gln)

Gene: NDE1 (nudE neurodevelopment protein 1; plus strand). Cytogenetic location: 16p13.11.
Variant type: single nucleotide variant.
Coding change: c.110G>A on transcript NM_017668.3 (MANE Select); coding-DNA position 110, G replaced by A.
Protein change: p.Arg37Gln; replaces arginine 37 with glutamine.
Molecular consequence: missense variant.
Genome position (GRCh38, 1-based): chr16:15,667,312, G>A. VCF-style: chr16-15667312-G-A. GRCh37 (hg19) VCF-style: chr16-15761169-G-A.
Other names: c.110G>A, p.Arg37Gln (NM_001143979.2); short protein forms R37Q.
Identifiers: ClinVar variation 1314666 (VCV001314666.4), dbSNP rs750625960, ClinGen allele CA278597535.
Genomic context (GRCh38, chr16:15,667,312, plus strand): 5'-TATTACTACGTGATGATTAACAATTTTGCTGTAGGGCAGAAAATACGCAAGAGGAACTCC[G>A]AGAATTCCAGGAGGGAAGCCGAGAATATGAAGCTGAATTGGAGACGCAGCTGCAACAAAT-3'
Protein context (NP_060138.1, residues 27-47): QRAENTQEEL[Arg37Gln]EFQEGSREYE